The following is an entry in ClinVar:

NM_003072.5(SMARCA4):c.193C>G (p.Pro65Ala)

Gene: SMARCA4 (SWI/SNF related BAF chromatin remodeling complex subunit ATPase 4; plus strand). Cytogenetic location: 19p13.2.
Variant type: single nucleotide variant.
Coding change: c.193C>G on transcript NM_003072.5 (MANE Select); coding-DNA position 193, C replaced by G.
Protein change: p.Pro65Ala; replaces proline 65 with alanine.
Molecular consequence: missense variant. On other transcripts: non-coding transcript variant (1).
Genome position (GRCh38, 1-based): chr19:10,984,344, C>G. VCF-style: chr19-10984344-C-G. GRCh37 (hg19) VCF-style: chr19-11095020-C-G.
Other names: c.193C>G, p.Pro65Ala (NM_001128844.3, NM_001128845.2, NM_001128846.2 and 6 more transcripts); short protein forms P65A.
Identifiers: ClinVar variation 2695108 (VCV002695108.3), dbSNP rs2145726125, ClinGen allele CA404054617.

ClinVar aggregate classification (germline): Uncertain significance (1 of 4 stars; one submission).

Conditions:
Rhabdoid tumor predisposition syndrome 2 (RTPS2). Identifiers: Orphanet 231108, Orphanet 69077, MedGen C2750074, MONDO:0013224, OMIM 613325.

Submission:

Labcorp Genetics (formerly Invitae), Labcorp
Classification: Uncertain significance for Rhabdoid tumor predisposition syndrome 2. Last evaluated: 2024-04-17. Review status: criteria provided, single submitter. Criteria: Invitae Variant Classification Sherloc (09022015). Collection method: clinical testing. Allele origin: germline.
Comment: This sequence change replaces proline, which is neutral and non-polar, with alanine, which is neutral and non-polar, at codon 65 of the SMARCA4 protein (p.Pro65Ala). This variant is not present in population databases (gnomAD no frequency). This variant has not been reported in the literature in individuals affected with SMARCA4-related conditions. Advanced modeling of protein sequence and biophysical properties (such as structural, functional, and spatial information, amino acid conservation, physicochemical variation, residue mobility, and thermodynamic stability) performed at Invitae indicates that this missense variant is not expected to disrupt SMARCA4 protein function with a negative predictive value of 95%. In summary, the available evidence is currently insufficient to determine the role of this variant in disease. Therefore, it has been classified as a Variant of Uncertain Significance.